The following is an entry in ClinVar:

ClinVar aggregate classification (germline): Uncertain significance. Review status: criteria provided, multiple submitters, no conflicts (2 of 4 stars). 2 submissions from 2 submitters: Uncertain significance (2). Last evaluated 2026-03-09.

Conditions:
Obesity due to leptin receptor gene deficiency. Identifiers: Orphanet 179494, MedGen C3554225, MONDO:0013992, OMIM 614963.
LEPR-related disorder. Also called: LEPR-related condition; LEPR-related disorders.

gnomAD v4.1: 4 of 1,612,612 alleles (0.00025%); highest among the groups gnomAD compares: Non-Finnish European, 0.00025%; no homozygotes.

Submissions (2):

PreventionGenetics, part of Exact Sciences
Classification: Uncertain significance for LEPR-related condition. Last evaluated: 2026-03-09. Review status: criteria provided, single submitter. Criteria: ACMG Guidelines, 2015. Collection method: clinical testing. Allele origin: germline.
Comment: The LEPR c.806A>G variant is predicted to result in the amino acid substitution p.Tyr269Cys. This variant was observed in a cohort of individuals with obesity, and in vitro functional studies showed function similar to wild-type levels (Supplemental Data Set, Shah et al. 2023. PubMed ID: 36864747). This variant has not been reported in a large population database (gnomAD), indicating this variant is rare. At this time, the clinical significance of this variant is uncertain due to the absence of conclusive functional and genetic evidence.

Illumina Laboratory Services, Illumina
Classification: Uncertain significance for Obesity due to leptin receptor gene deficiency. Last evaluated: 2018-02-09. Review status: criteria provided, single submitter. Criteria: ICSL Variant Classification Criteria 13 December 2019. Collection method: clinical testing. Allele origin: germline.

NM_002303.6(LEPR):c.806A>G (p.Tyr269Cys)

Gene: LEPR (leptin receptor; plus strand). Cytogenetic location: 1p31.3.
Variant type: single nucleotide variant.
Coding change: c.806A>G on transcript NM_002303.6 (MANE Select); coding-DNA position 806, A replaced by G.
Protein change: p.Tyr269Cys; replaces tyrosine 269 with cysteine.
Molecular consequence: missense variant.
Genome position (GRCh38, 1-based): chr1:65,596,550, A>G. VCF-style: chr1-65596550-A-G. GRCh37 (hg19) VCF-style: chr1-66062233-A-G.
Other names: c.806A>G, p.Tyr269Cys (NM_001198687.2, NM_001198688.1, NM_001198689.2 and 2 more transcripts); short protein forms Y269C.
Identifiers: ClinVar variation 876826 (VCV000876826.5), dbSNP rs996361966, ClinGen allele CA23922466.